The following is an entry in ClinVar:

ClinVar aggregate classification (germline): Uncertain significance (1 of 4 stars; one submission).

gnomAD v4.1: 57 of 1,614,122 alleles (0.0035%); highest among the groups gnomAD compares: Admixed American, 0.04%; no homozygotes.

Submission:

Ambry Genetics
Classification: Uncertain significance. Last evaluated: 2026-02-20. Review status: criteria provided, single submitter. Criteria: Ambry Variant Classification Scheme 2023. Collection method: clinical testing. Allele origin: germline.
Comment: The c.619G>A (p.A207T) alteration is located in exon 5 (coding exon 5) of the TIMP2 gene. This alteration results from a G to A substitution at nucleotide position 619, causing the alanine (A) at amino acid position 207 to be replaced by a threonine (T). Based on data from gnomAD, the A allele has an overall frequency of 0.016% (45/282478) total alleles studied. The highest observed frequency was 0.09% (18/19948) of East Asian alleles. Based on insufficient or conflicting evidence, the clinical significance of this alteration remains unclear.

Literature cited by the submitters: PubMed 28106320.

NM_003255.5(TIMP2):c.619G>A (p.Ala207Thr)

Gene: TIMP2 (TIMP metallopeptidase inhibitor 2; minus strand). Cytogenetic location: 17q25.3.
Variant type: single nucleotide variant.
Coding change: c.619G>A on transcript NM_003255.5 (MANE Select); coding-DNA position 619, G replaced by A.
Protein change: p.Ala207Thr; replaces alanine 207 with threonine.
Molecular consequence: missense variant.
Genome position (GRCh38, 1-based): chr17:78,855,711, C>T on the plus strand (G>A on the coding strand, the complement: TIMP2 is on the minus strand). VCF-style: chr17-78855711-C-T. GRCh37 (hg19) VCF-style: chr17-76851793-C-T.
Other names: short protein forms A207T.
Identifiers: ClinVar variation 4829307 (VCV004829307.1).